The following is an entry in ClinVar:

NM_017780.4(CHD7):c.6936+308G>C

Gene: CHD7 (chromodomain helicase DNA binding protein 7; plus strand). Cytogenetic location: 8q12.2.
Variant type: single nucleotide variant.
Coding change: c.6936+308G>C on transcript NM_017780.4 (MANE Select); 308 bases into the intron after coding-DNA position 6936, G replaced by C.
Molecular consequence: intron variant.
Genome position (GRCh38, 1-based): chr8:60,854,831, G>C. VCF-style: chr8-60854831-G-C. GRCh37 (hg19) VCF-style: chr8-61767390-G-C.
Other names: c.1717-7398G>C (NM_001316690.1).
Identifiers: ClinVar variation 667609 (VCV000667609.1), dbSNP rs7839701, ClinGen allele CA12764107.

ClinVar aggregate classification (germline): Benign (1 of 4 stars; one submission).

Allele frequency attached by ClinVar (database versions not stated): TOPMed 0.67854; gnomAD 0.67922 and 0.68173; 1000 Genomes Project 30x 0.72736; 1000 Genomes Project 0.72804.
gnomAD v4.1: 103,463 of 152,026 alleles (68%); highest among the groups gnomAD compares: East Asian, 77%; 35,543 homozygotes.

Submission:

GeneDx
Classification: Benign. Last evaluated: 2018-06-19. Review status: criteria provided, single submitter. Criteria: GeneDx Variant Classification (06012015). Collection method: clinical testing. Allele origin: germline. Affected: yes.
Comment: This variant is considered likely benign or benign based on one or more of the following criteria: it is a conservative change, it occurs at a poorly conserved position in the protein, it is predicted to be benign by multiple in silico algorithms, and/or has population frequency not consistent with disease.